The following is an entry in ClinVar:

NM_014989.7(RIMS1):c.1193C>G (p.Thr398Ser)

Gene: RIMS1 (regulating synaptic membrane exocytosis 1; plus strand). Cytogenetic location: 6q13.
Variant type: single nucleotide variant.
Coding change: c.1193C>G on transcript NM_014989.7 (MANE Select); coding-DNA position 1193, C replaced by G.
Protein change: p.Thr398Ser; replaces threonine 398 with serine.
Molecular consequence: missense variant.
Genome position (GRCh38, 1-based): chr6:72,182,664, C>G. VCF-style: chr6-72182664-C-G. GRCh37 (hg19) VCF-style: chr6-72892367-C-G.
Other names: short protein forms T398S.
Identifiers: ClinVar variation 2991964 (VCV002991964.3), dbSNP rs1480140179, ClinGen allele CA364820457.

ClinVar aggregate classification (germline): Uncertain significance (1 of 4 stars; one submission).

Allele frequency attached by ClinVar (database versions not stated): gnomAD exomes below 0.00001.
gnomAD v4.1: 9 of 1,462,210 alleles (0.00062%); highest among the groups gnomAD compares: African/African-American, 0.0045%; no homozygotes.

Submission:

Labcorp Genetics (formerly Invitae), Labcorp
Classification: Uncertain significance. Last evaluated: 2023-06-09. Review status: criteria provided, single submitter. Criteria: Invitae Variant Classification Sherloc (09022015). Collection method: clinical testing. Allele origin: germline.
Comment: In summary, the available evidence is currently insufficient to determine the role of this variant in disease. Therefore, it has been classified as a Variant of Uncertain Significance. An algorithm developed to predict the effect of missense changes on protein structure and function (PolyPhen-2) suggests that this variant is likely to be tolerated. This variant has not been reported in the literature in individuals affected with RIMS1-related conditions. This variant is present in population databases (no rsID available, gnomAD 0.01%). This sequence change replaces threonine, which is neutral and polar, with serine, which is neutral and polar, at codon 398 of the RIMS1 protein (p.Thr398Ser).